The following is an entry in ClinVar:

NM_004667.6(HERC2):c.3737A>C (p.Asn1246Thr)

Gene: HERC2 (HECT and RLD domain containing E3 ubiquitin protein ligase 2; minus strand). Cytogenetic location: 15q13.1.
Variant type: single nucleotide variant.
Coding change: c.3737A>C on transcript NM_004667.6 (MANE Select); coding-DNA position 3737, A replaced by C.
Protein change: p.Asn1246Thr; replaces asparagine 1246 with threonine.
Molecular consequence: missense variant.
Genome position (GRCh38, 1-based): chr15:28,238,613, T>G on the plus strand (A>C on the coding strand, the complement: HERC2 is on the minus strand). VCF-style: chr15-28238613-T-G. GRCh37 (hg19) VCF-style: chr15-28483759-T-G.
Other names: short protein forms N1246T.
Identifiers: ClinVar variation 4883074 (VCV004883074.2).
Genomic context (GRCh38, chr15:28,238,613, plus strand): 5'-ATGATATAGGTTGTAACTTTTAACCAGGAAATAACAAGTGTAATCTTACCAAGAATACTA[T>G]TTCCTGTTAACGACTGTGTCTGGAAGTCCTTTATATCATACACCTTCCCGTCAATCACAG-3'
Protein context (NP_004658.3, residues 1236-1256): KDFQTQSLTG[Asn1246Thr]SILAQFAGED

ClinVar aggregate classification (germline): Uncertain significance (1 of 4 stars; one submission).

Submission:

Dasa
Classification: Uncertain significance. Last evaluated: 2025-06-25. Review status: criteria provided, single submitter. Criteria: DASA Assertion Criteria. Collection method: clinical testing. Allele origin: germline.
Comment: NM_004667.6(HERC2):c.3737A>C (p.Asn1246Thr) is a missense variant that results in the substitution of asparagine with threonine. This variant is rare in population databases. Computational prediction algorithms are consistent with a benign effect. The currently available literature and clinical evidence are not sufficient to establish a definitive association between this variant and the reported condition. Therefore, this variant is classified as a variant of uncertain significance.